The following is an entry in ClinVar:

ClinVar aggregate classification (germline): Pathogenic (1 of 4 stars; one submission).

Conditions:
Hereditary breast ovarian cancer syndrome. Also called: Hereditary breast and ovarian cancer syndrome (HBOC); Hereditary breast and ovarian cancer syndrome; Hereditary breast and ovarian cancer; Breast and ovarian cancer; BRCA1- and BRCA2-Associated Hereditary Breast and Ovarian Cancer; Hereditary breast and/or ovarian cancer syndrome. Identifiers: Orphanet 145, MedGen C0677776, MeSH D061325, MONDO:0003582. Disease mechanism: loss of function.

Submission:

Labcorp Genetics (formerly Invitae), Labcorp
Classification: Pathogenic for Hereditary breast ovarian cancer syndrome. Last evaluated: 2022-06-28. Review status: criteria provided, single submitter. Criteria: Invitae Variant Classification Sherloc (09022015). Collection method: clinical testing. Allele origin: germline.
Comment: For these reasons, this variant has been classified as Pathogenic. This variant has not been reported in the literature in individuals affected with BRCA1-related conditions. This variant is not present in population databases (gnomAD no frequency). This sequence change creates a premature translational stop signal (p.Ser59Phefs*7) in the BRCA1 gene. It is expected to result in an absent or disrupted protein product. Loss-of-function variants in BRCA1 are known to be pathogenic (PMID: 20104584).

Literature cited by the submitters: PubMed 20104584.

NM_007294.4(BRCA1):c.175dup (p.Ser59fs)

Gene: BRCA1 (BRCA1 DNA repair associated; minus strand). Cytogenetic location: 17q21.31.
Variant type: Duplication.
Coding change: c.175dup on transcript NM_007294.4 (MANE Select); coding-DNA position 175, one base duplicated (T; older notation c.175dupT).
Protein change: p.Ser59fs; shifts the reading frame from serine 59.
Molecular consequence: frameshift variant. On other transcripts: non-coding transcript variant (1).
Genome position (GRCh38, 1-based): chr17:43,106,493, A duplicated on the plus strand (T on the coding strand, the reverse complement: BRCA1 is on the minus strand); the first of 2 consecutive A bases (chr17:43,106,493-43,106,494); duplicating either gives the same sequence. VCF-style (leftmost placement, unchanged base first): chr17-43106492-G-GA. GRCh37 (hg19) VCF-style: chr17-41258509-G-GA.
Other names: c.174dup, p.Ser59Phefs (NM_001407590.1, NM_001407591.1, NM_001407593.1 and 166 more transcripts); c.-15dup (NM_001407571.1, NM_001407879.1, NM_001407881.1 and 58 more transcripts); c.33dup, p.Ser12Phefs (NM_001407920.1, NM_001407921.1, NM_001407922.1 and 98 more transcripts); c.34dup, p.Ser12fs (NM_007297.4); c.175dup, p.Ser59fs (NM_007299.4, NM_007300.4); short protein forms S12fs, S59fs.
Identifiers: ClinVar variation 2011772 (VCV002011772.4), dbSNP rs2552258479, ClinGen allele CA2580093829.
Genomic context (GRCh38, chr17:43,106,492, plus strand): 5'-TAGCATCATTACCAAATTATATACCTTTTGGTTATATCATTCTTACATAAAGGACACTGT[G>GA]AAGGCCCTTTCTTCTGGTTGAGAAGTTTCAGCATGCAAAATCTATAAATTATAAAGAAAG-3'